The following is an entry in ClinVar:

ClinVar aggregate classification (germline): Uncertain significance (1 of 4 stars; one submission).

Submission:

CeGaT Center for Human Genetics Tuebingen
Classification: Uncertain significance. Last evaluated: 2026-03-01. Review status: criteria provided, single submitter. Criteria: CeGaT Center For Human Genetics Tuebingen Variant Classification Criteria Version 2. Collection method: clinical testing. Allele origin: germline. Affected: yes. Observed: 1 variant allele.
Comment: SLC30A10: PM2, BP4

NM_018713.3(SLC30A10):c.1058A>T (p.Tyr353Phe)

Gene: SLC30A10 (solute carrier family 30 member 10; minus strand). Cytogenetic location: 1q41.
Variant type: single nucleotide variant.
Coding change: c.1058A>T on transcript NM_018713.3 (MANE Select); coding-DNA position 1058, A replaced by T.
Protein change: p.Tyr353Phe; replaces tyrosine 353 with phenylalanine.
Molecular consequence: missense variant.
Genome position (GRCh38, 1-based): chr1:219,915,849, T>A on the plus strand (A>T on the coding strand, the complement: SLC30A10 is on the minus strand). VCF-style: chr1-219915849-T-A. GRCh37 (hg19) VCF-style: chr1-220089191-T-A.
Other names: c.869A>T, p.Tyr290Phe (NM_001376929.1); c.383A>T, p.Tyr128Phe (NM_001416004.1, NM_001416005.1); short protein forms Y128F, Y290F, Y353F.
Identifiers: ClinVar variation 4823683 (VCV004823683.4).